The following is an entry in ClinVar:

NM_020320.5(RARS2):c.1650+5G>A

Gene: RARS2 (arginyl-tRNA synthetase 2, mitochondrial; minus strand). Cytogenetic location: 6q15.
Variant type: single nucleotide variant.
Coding change: c.1650+5G>A on transcript NM_020320.5 (MANE Select); 5 bases into the intron after coding-DNA position 1650, G replaced by A.
Molecular consequence: intron variant.
Genome position (GRCh38, 1-based): chr6:87,514,952, C>T on the plus strand (G>A on the coding strand, the complement: RARS2 is on the minus strand). VCF-style: chr6-87514952-C-T. GRCh37 (hg19) VCF-style: chr6-88224670-C-T.
Other names: c.1650+5G>A (NM_001350505.2, NM_020320.4); c.1125+5G>A (NM_001350509.2, NM_001318785.2, NM_001350506.2 and 4 more transcripts).
Identifiers: ClinVar variation 632595 (VCV000632595.10), dbSNP rs750433723, ClinGen allele CA3916183.

ClinVar aggregate classification (germline): Conflicting classifications of pathogenicity. Review status: criteria provided, conflicting classifications (1 of 4 stars). 7 submissions from 7 submitters: Likely pathogenic (4); Uncertain significance (1). 2 of the submissions do not count toward it. Last evaluated 2026-02-25.

Conditions:
Pontocerebellar hypoplasia type 6 (PCH6). Identifiers: Orphanet 166073, MedGen C1969084, MONDO:0012683, OMIM 611523.
Isolated cerebellar hypoplasia/agenesis (CHEGDD). Also called: Cerebellar hypoplasia/atrophy, epilepsy, and global developmental delay. Identifiers: Orphanet 1398, Orphanet 2246, MedGen C5231391, MONDO:0008939, OMIM 213000.

Allele frequency attached by ClinVar (database versions not stated): gnomAD 0.00001; gnomAD exomes 0.00001; ExAC 0.00002.
gnomAD v4.1: 23 of 1,605,872 alleles (0.0014%); highest among the groups gnomAD compares: South Asian, 0.0055%; no homozygotes.

Submissions (7):

GeneDx
Classification: Likely pathogenic. Last evaluated: 2026-02-25. Review status: criteria provided, single submitter. Criteria: GeneDx Variant Classification Process June 2021. Collection method: clinical testing. Allele origin: germline. Affected: yes.
Comment: Not observed at significant frequency in large population cohorts (gnomAD); In silico analysis supports a deleterious effect on splicing; This variant is associated with the following publications: (PMID: 31474318)

Natera, Inc.
Classification: Likely pathogenic for Pontocerebellar hypoplasia, type 6. Last evaluated: 2025-02-03. Review status: criteria provided, single submitter. Criteria: Natera Variant Classification Schema (03/2026). Collection method: clinical testing. Allele origin: germline.
Comment: The c.1650+5G>A variant in RARS2 is an intronic variant located outside the canonical splice sites. This variant is rare in the general population with a frequency below the threshold expected for the associated phenotype(s). This variant has been observed in one or more individuals affected with the associated recessive disease, as either homozygous or compound heterozygous with a second variant (PMID: 31474318). This variant has been identified in one or more affected individuals with a phenotype highly consistent with the associated gene (PMID: 31474318). Computational prediction algorithms indicate this variant is likely to affect gene or protein function. Given the available evidence, this variant is classified as Likely Pathogenic.

Fulgent Genetics
Classification: Likely pathogenic for Pontocerebellar hypoplasia type 6. Last evaluated: 2024-04-29. Review status: criteria provided, single submitter. Criteria: ACMG Guidelines, 2015. Collection method: clinical testing. Allele origin: germline.

Baylor Genetics
Classification: Likely pathogenic for Pontocerebellar hypoplasia type 6. Last evaluated: 2024-01-31. Review status: criteria provided, single submitter. Criteria: ACMG Guidelines, 2015. Collection method: clinical testing. Allele origin: unknown.

Women's Health and Genetics/Laboratory Corporation of America, LabCorp
Classification: Uncertain significance. Last evaluated: 2023-04-04. Review status: criteria provided, single submitter. Criteria: LabCorp Variant Classification Summary - May 2015. Collection method: clinical testing. Allele origin: germline.
Comment: Variant summary: RARS2 c.1650+5G>A alters a non-conserved nucleotide located close to a canonical splice site and therefore could affect mRNA splicing, leading to a significantly altered protein sequence. Several computational tools predict a significant impact on normal splicing: Two predict the variant abolishes a canonical 5' splicing donor site and one predicts the variant weakens this canonical 5' donor site. However, these predictions have yet to be confirmed by functional studies. The variant allele was found at a frequency of 1.2e-05 in 251312 control chromosomes (gnomAD). The available data on variant occurrences in the general population are insufficient to allow any conclusion about variant significance. c.1650+5G>A has been reported in the literature in at least one compound heterozygous individual affected with Cerebellar Hypoplasia (Aldinger_2019). These data do not allow any conclusion about variant significance. To our knowledge, no experimental evidence demonstrating an impact on protein function has been reported. One ClinVar submitter has assessed the variant since 2014: the variant was classified as likely pathogenic. Based on the evidence outlined above, the variant was classified as uncertain significance.

Dobyns Lab, Seattle Children's Research Institute
Classification: Likely pathogenic for Pontocerebellar hypoplasia type 6. Last evaluated: 2019-02-18. Review status: no assertion criteria provided. Collection method: research. Allele origin: germline. Affected: yes. Observed: 1 variant allele. Not counted in ClinVar's aggregate classification.

University of Washington Center for Mendelian Genomics, University of Washington
Classification: Likely pathogenic for Cerebellar hypoplasia. Review status: no assertion criteria provided. Collection method: research. Allele origin: inherited. Affected: yes. Not counted in ClinVar's aggregate classification.

Literature cited by the submitters: PubMed 31474318 (cited by 3 submitters).